The following is an entry in ClinVar:

NM_004239.4(TRIP11):c.961A>G (p.Lys321Glu)

Gene: TRIP11 (thyroid hormone receptor interactor 11; minus strand). Cytogenetic location: 14q32.12.
Variant type: single nucleotide variant.
Coding change: c.961A>G on transcript NM_004239.4 (MANE Select); coding-DNA position 961, A replaced by G.
Protein change: p.Lys321Glu; replaces lysine 321 with glutamic acid.
Molecular consequence: missense variant.
Genome position (GRCh38, 1-based): chr14:92,014,440, T>C on the plus strand (A>G on the coding strand, the complement: TRIP11 is on the minus strand). VCF-style: chr14-92014440-T-C. GRCh37 (hg19) VCF-style: chr14-92480784-T-C.
Other names: c.958A>G, p.Lys320Glu (NM_001321851.1); c.961A>G (NM_004239.3); short protein forms K320E, K321E.
Identifiers: ClinVar variation 2698353 (VCV002698353.7), dbSNP rs147350763, ClinGen allele CA7314048.

ClinVar aggregate classification (germline): Uncertain significance. Review status: criteria provided, multiple submitters, no conflicts (2 of 4 stars). 4 submissions from 4 submitters: Uncertain significance (3). 1 of the submissions does not count toward it. Last evaluated 2025-11-10.

Conditions:
Inborn genetic diseases. Identifiers: MedGen C0950123, MeSH D030342.
TRIP11-related disorder. Also called: TRIP11-related condition; TRIP11-Related Disorders.
Achondrogenesis, type IA (ACG1A). Identifiers: Orphanet 932, Orphanet 93299, MedGen C0265273, MONDO:0008701, OMIM 200600.

Allele frequency attached by ClinVar (database versions not stated): gnomAD exomes 0.00001; ExAC 0.00004; gnomAD 0.00005; TOPMed 0.00008; 1000 Genomes Project 30x 0.00047; 1000 Genomes Project 0.00060.
gnomAD v4.1: 24 of 1,604,470 alleles (0.0015%); highest among the groups gnomAD compares: African/African-American, 0.02%; no homozygotes.

Submissions (4):

Labcorp Genetics (formerly Invitae), Labcorp
Classification: Uncertain significance for Achondrogenesis, type IA. Last evaluated: 2025-11-10. Review status: criteria provided, single submitter. Criteria: Invitae Variant Classification Sherloc (09022015). Collection method: clinical testing. Allele origin: germline.
Comment: This sequence change replaces lysine, which is basic and polar, with glutamic acid, which is acidic and polar, at codon 321 of the TRIP11 protein (p.Lys321Glu). This variant is present in population databases (rs147350763, gnomAD 0.03%). This variant has not been reported in the literature in individuals affected with TRIP11-related conditions. ClinVar contains an entry for this variant (Variation ID: 2698353). Invitae Evidence Modeling of protein sequence and biophysical properties (such as structural, functional, and spatial information, amino acid conservation, physicochemical variation, residue mobility, and thermodynamic stability) indicates that this missense variant is not expected to disrupt TRIP11 protein function with a negative predictive value of 80%. In summary, the available evidence is currently insufficient to determine the role of this variant in disease. Therefore, it has been classified as a Variant of Uncertain Significance.

GeneDx
Classification: Uncertain significance. Last evaluated: 2025-01-21. Review status: criteria provided, single submitter. Criteria: GeneDx Variant Classification Process June 2021. Collection method: clinical testing. Allele origin: germline. Affected: yes.
Comment: In silico analysis indicates that this missense variant does not alter protein structure/function; Has not been previously published as pathogenic or benign to our knowledge

Ambry Genetics
Classification: Uncertain significance for Inborn genetic diseases. Last evaluated: 2024-10-25. Review status: criteria provided, single submitter. Criteria: Ambry Variant Classification Scheme 2023. Collection method: clinical testing. Allele origin: germline.

PreventionGenetics, part of Exact Sciences
Classification: Uncertain significance for TRIP11-related condition. Last evaluated: 2024-01-11. Review status: no assertion criteria provided. Collection method: clinical testing. Allele origin: germline. Not counted in ClinVar's aggregate classification.
Comment: The TRIP11 c.961A>G variant is predicted to result in the amino acid substitution p.Lys321Glu. To our knowledge, this variant has not been reported in the literature. This variant is reported in 0.029% of alleles in individuals of African descent in gnomAD. At this time, the clinical significance of this variant is uncertain due to the absence of conclusive functional and genetic evidence.